The following is an entry in ClinVar:

NM_001267550.2(TTN):c.44812G>A (p.Val14938Met)

Gene: TTN (titin; minus strand). Cytogenetic location: 2q31.2.
Variant type: single nucleotide variant.
Coding change: c.44812G>A on transcript NM_001267550.2 (MANE Select); coding-DNA position 44812, G replaced by A.
Protein change: p.Val14938Met; replaces valine 14938 with methionine.
Molecular consequence: missense variant.
Genome position (GRCh38, 1-based): chr2:178,624,468, C>T on the plus strand (G>A on the coding strand, the complement: TTN is on the minus strand). VCF-style: chr2-178624468-C-T. GRCh37 (hg19) VCF-style: chr2-179489195-C-T.
Other names: c.39889G>A, p.Val13297Met (NM_001256850.1); c.17617G>A, p.Val5873Met (NM_003319.4); c.37108G>A, p.Val12370Met (NM_133378.4); c.17992G>A, p.Val5998Met (NM_133432.3); c.18193G>A, p.Val6065Met (NM_133437.4); short protein forms V12370M, V13297M, V14938M, V5873M, V5998M, V6065M.
Identifiers: ClinVar variation 1723860 (VCV001723860.6), dbSNP rs367560855, ClinGen allele CA1995574.

ClinVar aggregate classification (germline): Conflicting classifications of pathogenicity. Review status: criteria provided, conflicting classifications (1 of 4 stars). 4 submissions from 4 submitters: Uncertain significance (3); Likely benign (1). Last evaluated 2023-12-17.

Conditions:
Cardiovascular phenotype. Identifiers: MedGen CN230736.

Allele frequency attached by ClinVar (database versions not stated): ExAC 0.00002; ESP Exome Variant Server 0.00008.
gnomAD v4.1: 24 of 1,612,034 alleles (0.0015%); highest among the groups gnomAD compares: South Asian, 0.0033%; no homozygotes.

Submissions (4):

Women's Health and Genetics/Laboratory Corporation of America, LabCorp
Classification: Uncertain significance. Last evaluated: 2023-12-17. Review status: criteria provided, single submitter. Criteria: LabCorp Variant Classification Summary - May 2015. Collection method: clinical testing. Allele origin: germline.

Revvity Omics, Revvity
Classification: Uncertain significance. Last evaluated: 2023-12-05. Review status: criteria provided, single submitter. Criteria: ACMG Guidelines, 2015. Collection method: clinical testing. Allele origin: germline.

GeneDx
Classification: Uncertain significance. Last evaluated: 2022-05-11. Review status: criteria provided, single submitter. Criteria: GeneDx Variant Classification Process June 2021. Collection method: clinical testing. Allele origin: germline. Affected: yes.
Comment: Not observed at significant frequency in large population cohorts (gnomAD); Missense variant in a gene in which most reported pathogenic variants are truncating/loss of function; Has not been previously published as pathogenic or benign to our knowledge

Ambry Genetics
Classification: Likely benign for Cardiovascular phenotype. Last evaluated: 2020-09-28. Review status: criteria provided, single submitter. Criteria: Ambry Variant Classification Scheme 2023. Collection method: clinical testing. Allele origin: germline.